The following is an entry in ClinVar:

NM_025114.4(CEP290):c.4358T>C (p.Leu1453Pro)

Gene: CEP290 (centrosomal protein 290; minus strand). Cytogenetic location: 12q21.32.
Variant type: single nucleotide variant.
Coding change: c.4358T>C on transcript NM_025114.4 (MANE Select); coding-DNA position 4358, T replaced by C.
Protein change: p.Leu1453Pro; replaces leucine 1453 with proline.
Molecular consequence: missense variant.
Genome position (GRCh38, 1-based): chr12:88,086,118, A>G on the plus strand (T>C on the coding strand, the complement: CEP290 is on the minus strand). VCF-style: chr12-88086118-A-G. GRCh37 (hg19) VCF-style: chr12-88479895-A-G.
Other names: short protein forms L1453P.
Identifiers: ClinVar variation 2044677 (VCV002044677.1), dbSNP rs753059143, ClinGen allele CA6711957.

ClinVar aggregate classification (germline): Uncertain significance (1 of 4 stars; one submission).

Conditions:
Joubert syndrome. Also called: CEREBELLOPARENCHYMAL DISORDER IV; JOUBERT-BOLTSHAUSER SYNDROME; Familial aplasia of the vermis. Identifiers: Orphanet 475, MedGen C5979921, MONDO:0018772.
Nephronophthisis. Also called: Juvenile Nephronophthisis. Identifiers: Orphanet 655, MedGen C0687120, MONDO:0019005, HP:0000090.
Meckel-Gruber syndrome. Also called: DYSENCEPHALIA SPLANCHNOCYSTICA; GRUBER SYNDROME; Dysencephalia splachnocystica. Identifiers: Orphanet 564, MedGen C0265215, MONDO:0018921.

Allele frequency attached by ClinVar (database versions not stated): gnomAD exomes below 0.00001; ExAC 0.00001; gnomAD 0.00001; TOPMed 0.00002.
gnomAD v4.1: 7 of 1,613,172 alleles (0.00043%); highest among the groups gnomAD compares: Admixed American, 0.005%; no homozygotes.

Submission:

Labcorp Genetics (formerly Invitae), Labcorp
Classification: Uncertain significance for Joubert syndrome; Meckel-Gruber syndrome; Nephronophthisis. Last evaluated: 2022-04-01. Review status: criteria provided, single submitter. Criteria: Invitae Variant Classification Sherloc (09022015). Collection method: clinical testing. Allele origin: germline.
Comment: This sequence change replaces leucine, which is neutral and non-polar, with proline, which is neutral and non-polar, at codon 1453 of the CEP290 protein (p.Leu1453Pro). This variant is present in population databases (rs753059143, gnomAD 0.009%). This variant has not been reported in the literature in individuals affected with CEP290-related conditions. Algorithms developed to predict the effect of missense changes on protein structure and function (SIFT, PolyPhen-2, Align-GVGD) all suggest that this variant is likely to be disruptive. In summary, the available evidence is currently insufficient to determine the role of this variant in disease. Therefore, it has been classified as a Variant of Uncertain Significance.